The following is an entry in ClinVar:

ClinVar aggregate classification (germline): Likely benign (1 of 4 stars; one submission).

Submission:

CeGaT Center for Human Genetics Tuebingen
Classification: Likely benign. Last evaluated: 2026-08-01. Review status: criteria provided, single submitter. Criteria: CeGaT Center For Human Genetics Tuebingen Variant Classification Criteria Version 2. Collection method: clinical testing. Allele origin: germline. Affected: yes. Observed: 3 variant alleles.
Comment: FMN2: BP4, BP7

NM_020066.5(FMN2):c.3030T>A (p.Pro1010=)

Gene: FMN2 (formin 2; plus strand). Cytogenetic location: 1q43.
Variant type: single nucleotide variant.
Coding change: c.3030T>A on transcript NM_020066.5 (MANE Select); coding-DNA position 3030, T replaced by A.
Protein change: p.Pro1010=; no amino-acid change (proline 1010 retained).
Molecular consequence: synonymous variant. On other transcripts: intron variant (1).
Genome position (GRCh38, 1-based): chr1:240,207,842, T>A. VCF-style: chr1-240207842-T-A. GRCh37 (hg19) VCF-style: chr1-240371142-T-A.
Other names: c.3042T>A, p.Pro1014= (NM_001305424.2); c.1986+19580T>A (NM_001348094.2).
Identifiers: ClinVar variation 4873450 (VCV004873450.2).